The following is an entry in ClinVar:

NM_014822.4(SEC24D):c.469C>T (p.Arg157Ter)

Gene: SEC24D (SEC24 homolog D, COPII component; minus strand). Cytogenetic location: 4q26.
Variant type: single nucleotide variant.
Coding change: c.469C>T on transcript NM_014822.4 (MANE Select); coding-DNA position 469, C replaced by T.
Protein change: p.Arg157Ter; replaces arginine 157 with a stop codon.
Molecular consequence: nonsense.
Genome position (GRCh38, 1-based): chr4:118,815,655, G>A on the plus strand (C>T on the coding strand, the complement: SEC24D is on the minus strand). VCF-style: chr4-118815655-G-A. GRCh37 (hg19) VCF-style: chr4-119736810-G-A.
Other names: c.469C>T, p.Arg157Ter (NM_001318066.2); short protein forms R157*.
Identifiers: ClinVar variation 2897888 (VCV002897888.3), dbSNP rs918038911, ClinGen allele CA104658255.

ClinVar aggregate classification (germline): Pathogenic (1 of 4 stars; one submission).

Allele frequency attached by ClinVar (database versions not stated): gnomAD exomes 0.00001; TOPMed 0.00002.

Submission:

Labcorp Genetics (formerly Invitae), Labcorp
Classification: Pathogenic. Last evaluated: 2024-03-09. Review status: criteria provided, single submitter. Criteria: Invitae Variant Classification Sherloc (09022015). Collection method: clinical testing. Allele origin: germline.
Comment: This sequence change creates a premature translational stop signal (p.Arg157*) in the SEC24D gene. It is expected to result in an absent or disrupted protein product. Loss-of-function variants in SEC24D are known to be pathogenic (PMID: 25683121, 30462379). This variant is present in population databases (no rsID available, gnomAD 0.003%). This variant has not been reported in the literature in individuals affected with SEC24D-related conditions. For these reasons, this variant has been classified as Pathogenic.

Literature cited by the submitters: PubMed 25683121; PubMed 30462379.